The following is an entry in ClinVar:

NM_032043.3(BRIP1):c.1372G>C (p.Glu458Gln)

Gene: BRIP1 (BRCA1 interacting DNA helicase 1; minus strand). Cytogenetic location: 17q23.2.
Variant type: single nucleotide variant.
Coding change: c.1372G>C on transcript NM_032043.3 (MANE Select); coding-DNA position 1372, G replaced by C.
Protein change: p.Glu458Gln; replaces glutamic acid 458 with glutamine.
Molecular consequence: missense variant.
Genome position (GRCh38, 1-based): chr17:61,793,698, C>G on the plus strand (G>C on the coding strand, the complement: BRIP1 is on the minus strand). VCF-style: chr17-61793698-C-G. GRCh37 (hg19) VCF-style: chr17-59871059-C-G.
Other names: short protein forms E458Q.
Identifiers: ClinVar variation 630785 (VCV000630785.7), dbSNP rs587780228, ClinGen allele CA400482259.

ClinVar aggregate classification (germline): Uncertain significance. Review status: criteria provided, multiple submitters, no conflicts (2 of 4 stars). 2 submissions from 2 submitters: Uncertain significance (2). Last evaluated 2023-12-05.

Conditions:
Hereditary cancer-predisposing syndrome. Also called: Tumor predisposition; Neoplastic Syndromes, Hereditary; Hereditary neoplastic syndrome; Hereditary Cancer Syndrome. Identifiers: Orphanet 140162, MedGen C0027672, MeSH D009386, MONDO:0015356.

Submissions (2):

Ambry Genetics
Classification: Uncertain significance for Hereditary cancer-predisposing syndrome. Last evaluated: 2023-12-05. Review status: criteria provided, single submitter. Criteria: Ambry Variant Classification Scheme 2023. Collection method: clinical testing. Allele origin: germline.
Comment: The p.E458Q variant (also known as c.1372G>C), located in coding exon 9 of the BRIP1 gene, results from a G to C substitution at nucleotide position 1372. The glutamic acid at codon 458 is replaced by glutamine, an amino acid with highly similar properties. This amino acid position is highly conserved in available vertebrate species. In addition, the in silico prediction for this alteration is inconclusive. Since supporting evidence is limited at this time, the clinical significance of this alteration remains unclear.

Color Diagnostics, LLC DBA Color Health
Classification: Uncertain significance for Hereditary cancer-predisposing syndrome. Last evaluated: 2019-05-22. Review status: criteria provided, single submitter. Criteria: ACMG Guidelines, 2015. Collection method: clinical testing. Allele origin: germline.